The following continues an entry in ClinVar:

NM_007294.4(BRCA1):c.4675G>A (p.Glu1559Lys)

Gene: BRCA1. ClinVar aggregate classification (germline): Pathogenic. Pathogenic (1).

Submissions 10 to 18 of 18:

Baylor Genetics
Classification: Pathogenic for Breast-ovarian cancer, familial, susceptibility to, 1. Last evaluated: 2022-03-24. Review status: criteria provided, single submitter. Criteria: ACMG Guidelines, 2015. Collection method: clinical testing. Allele origin: unknown. Not counted in ClinVar's aggregate classification.

Women's Health and Genetics/Laboratory Corporation of America, LabCorp
Classification: Pathogenic for Hereditary breast ovarian cancer syndrome. Last evaluated: 2021-05-07. Review status: criteria provided, single submitter. Criteria: LabCorp Variant Classification Summary - May 2015. Collection method: clinical testing. Allele origin: germline. Not counted in ClinVar's aggregate classification.
Comment: Variant summary: BRCA1 c.4675G>A (p.Glu1559Lys) results in a conservative amino acid change in the encoded protein sequence. Four of five in-silico tools predict a benign effect of the variant on protein function. This sequence change occurs at the last nucleotide of exon 14. Several computational tools predict a significant impact on normal splicing: Four predict the variant abolishes a 5 splicing donor site. Consistent with these predications, a functional study report that this alteration activated a cryptic splice site resulting in the loss of the last 11 nucleotides of the exon 14 (Wappenschmidt_2012). The variant was absent in 251130 control chromosomes (gnomAD). c.4675G>A has been reported in the literature in individuals affected with Hereditary Breast and Ovarian Cancer Syndrome (Rebbeck_2018). These data indicate that the variant is likely to be associated with disease. Six ClinVar submitters including an expert panel (ENIGMA) cite the variant as pathogenic/likely pathogenic. Based on the evidence outlined above, the variant was classified as pathogenic.

Clinical Genetics and Genomics, Karolinska University Hospital
Classification: Pathogenic. Last evaluated: 2018-06-13. Review status: criteria provided, single submitter. Criteria: ACMG Guidelines, 2015. Collection method: clinical testing. Allele origin: germline. Affected: yes. Observed: 2 variant alleles. Not counted in ClinVar's aggregate classification.

Consortium of Investigators of Modifiers of BRCA1/2 (CIMBA), c/o University of Cambridge
Classification: Pathogenic for Breast-ovarian cancer, familial, susceptibility to, 1. Last evaluated: 2015-10-02. Review status: criteria provided, single submitter. Criteria: CIMBA Mutation Classification guidelines May 2016. Collection method: clinical testing. Allele origin: germline. Not counted in ClinVar's aggregate classification.

Research Molecular Genetics Laboratory, Women's College Hospital, University of Toronto
Classification: Pathogenic for Hereditary breast ovarian cancer syndrome. Last evaluated: 2014-01-31. Review status: no assertion criteria provided. Collection method: research. Allele origin: germline. Affected: yes. Study: The Canadian Open Genetics Repository (COGR). Not counted in ClinVar's aggregate classification.

Sharing Clinical Reports Project (SCRP)
Classification: Pathogenic for Breast-ovarian cancer, familial 1. Last evaluated: 2012-05-01. Review status: no assertion criteria provided. Collection method: clinical testing. Allele origin: germline. Not counted in ClinVar's aggregate classification.

Breast Cancer Information Core (BIC) (BRCA1)
Classification: Pathogenic for Breast-ovarian cancer, familial 1. Last evaluated: 2004-11-25. Review status: no assertion criteria provided. Collection method: clinical testing. Allele origin: germline. Affected: yes. Observed: 2 variant alleles. Not counted in ClinVar's aggregate classification.

Diagnostic Laboratory, Department of Genetics, University Medical Center Groningen
Classification: Pathogenic. Review status: no assertion criteria provided. Collection method: clinical testing. Allele origin: germline. Affected: yes. Study: VKGL Data-share Consensus. Not counted in ClinVar's aggregate classification.

Joint Genome Diagnostic Labs from Nijmegen and Maastricht, Radboudumc and MUMC+
Classification: Likely pathogenic. Review status: no assertion criteria provided. Collection method: clinical testing. Allele origin: germline. Affected: yes. Study: VKGL Data-share Consensus. Not counted in ClinVar's aggregate classification.

Literature cited by the submitters: PubMed 31131967 (cited by 3 submitters); PubMed 25066507 (cited by 3 submitters); PubMed 31143303 (cited by 3 submitters); PubMed 32341426 (cited by Ambry Genetics and Quest Diagnostics Nichols Institute San Juan Capistrano); PubMed 33471991 (cited by Quest Diagnostics Nichols Institute San Juan Capistrano); PubMed 28781887 (cited by Quest Diagnostics Nichols Institute San Juan Capistrano); PubMed 29752822 (cited by Quest Diagnostics Nichols Institute San Juan Capistrano); PubMed 30765603 (cited by Quest Diagnostics Nichols Institute San Juan Capistrano and Labcorp Genetics (formerly Invitae), Labcorp); PubMed 31825140 (cited by Quest Diagnostics Nichols Institute San Juan Capistrano); PubMed 33087888 (cited by Quest Diagnostics Nichols Institute San Juan Capistrano); PubMed 23239986 (cited by 3 submitters); PubMed 24797986 (cited by Quest Diagnostics Nichols Institute San Juan Capistrano and Labcorp Genetics (formerly Invitae), Labcorp); PubMed 29446198 (cited by Quest Diagnostics Nichols Institute San Juan Capistrano and Women's Health and Genetics/Laboratory Corporation of America, LabCorp); PubMed 25859162 (cited by Quest Diagnostics Nichols Institute San Juan Capistrano); PubMed 29797126 (cited by Quest Diagnostics Nichols Institute San Juan Capistrano); PubMed 30441849 (cited by Quest Diagnostics Nichols Institute San Juan Capistrano); PubMed 29202330 (cited by Quest Diagnostics Nichols Institute San Juan Capistrano); PubMed 17761984 (cited by Labcorp Genetics (formerly Invitae), Labcorp); PubMed 24333842 (cited by Labcorp Genetics (formerly Invitae), Labcorp); PubMed 17576681 (cited by Labcorp Genetics (formerly Invitae), Labcorp); PubMed 9536098 (cited by Labcorp Genetics (formerly Invitae), Labcorp).